The following is an entry in ClinVar:

ClinVar aggregate classification (germline): Uncertain significance (1 of 4 stars; one submission).

Allele frequency attached by ClinVar (database versions not stated): gnomAD exomes below 0.00001 and 0.00001; gnomAD 0.00001; TOPMed 0.00001.
gnomAD v4.1: 16 of 1,612,152 alleles (0.00099%); highest among the groups gnomAD compares: South Asian, 0.0088%; no homozygotes.

Submission:

Labcorp Genetics (formerly Invitae), Labcorp
Classification: Uncertain significance. Last evaluated: 2022-01-18. Review status: criteria provided, single submitter. Criteria: Invitae Variant Classification Sherloc (09022015). Collection method: clinical testing. Allele origin: germline.
Comment: This sequence change replaces arginine, which is basic and polar, with tryptophan, which is neutral and slightly polar, at codon 149 of the SCO2 protein (p.Arg149Trp). This variant is present in population databases (no rsID available, gnomAD 0.003%). This variant has not been reported in the literature in individuals affected with SCO2-related conditions. Algorithms developed to predict the effect of missense changes on protein structure and function are either unavailable or do not agree on the potential impact of this missense change (SIFT: "Deleterious"; PolyPhen-2: "Possibly Damaging"; Align-GVGD: "Class C0"). In summary, the available evidence is currently insufficient to determine the role of this variant in disease. Therefore, it has been classified as a Variant of Uncertain Significance.

NM_005138.3(SCO2):c.445C>T (p.Arg149Trp)

Genes: NCAPH2 (non-SMC condensin II complex subunit H2; plus strand), SCO2 (synthesis of cytochrome C oxidase 2; minus strand). Cytogenetic location: 22q13.33.
Variant type: single nucleotide variant.
Coding change: c.445C>T on transcript NM_005138.3 (MANE Select); coding-DNA position 445, C replaced by T.
Protein change: p.Arg149Trp; replaces arginine 149 with tryptophan.
Molecular consequence: missense variant. On other transcripts: 3 prime UTR variant (2).
Genome position (GRCh38, 1-based): chr22:50,523,967, G>A on the plus strand (C>T on the coding strand, the complement: SCO2 is on the minus strand). VCF-style: chr22-50523967-G-A. GRCh37 (hg19) VCF-style: chr22-50962396-G-A.
Other names: c.*592G>A (NM_001185011.2, NM_152299.4); c.445C>T, p.Arg149Trp (NM_001169109.2, NM_001169110.1, NM_001169111.2); short protein forms R149W.
Identifiers: ClinVar variation 1399309 (VCV001399309.5), dbSNP rs1403272546, ClinGen allele CA412192698.